The following is an entry in ClinVar:

ClinVar aggregate classification (germline): Likely benign (1 of 4 stars; one submission).

Allele frequency attached by ClinVar (database versions not stated): ExAC 0.00121; gnomAD 0.00209; 1000 Genomes Project 30x 0.00484.

Submission:

CeGaT Center for Human Genetics Tuebingen
Classification: Likely benign. Last evaluated: 2022-09-01. Review status: criteria provided, single submitter. Criteria: CeGaT Center For Human Genetics Tuebingen Variant Classification Criteria Version 2. Collection method: clinical testing. Allele origin: germline. Affected: yes. Observed: 2 variant alleles.
Comment: CGB2: BP4, BP7

NM_033378.2(CGB2):c.468A>G (p.Ser156=)

Gene: CGB2 (chorionic gonadotropin subunit beta 2; plus strand). Cytogenetic location: 19q13.33.
Variant type: single nucleotide variant.
Coding change: c.468A>G on transcript NM_033378.2 (MANE Select); coding-DNA position 468, A replaced by G.
Protein change: p.Ser156=; no amino-acid change (serine 156 retained).
Molecular consequence: synonymous variant.
Genome position (GRCh38, 1-based): chr19:49,033,197, A>G. VCF-style: chr19-49033197-A-G. GRCh37 (hg19) VCF-style: chr19-49536454-A-G.
Other names: c.432A>G, p.Ser144= (NM_001319065.2).
Identifiers: ClinVar variation 2650231 (VCV002650231.24), dbSNP rs766526327, ClinGen allele CA9564774.
Genomic context (GRCh38, chr19:49,033,197, plus strand): 5'-CTCTTCCTCAAAGGCCCCTCCCCCCAGCCTTCCAAGCCCATCCCGACTCCCGGGGCCCTC[A>G]GACACCCCGATCCTCCCACAATAAAGGCTTCTCAATCCGCACTCTGGCGGTGTCTTTCTG-3'
Protein context (NP_203696.2, residues 146-163): LPSPSRLPGP[Ser156=]DTPILPQ